The following is an entry in ClinVar:

ClinVar aggregate classification (germline): Uncertain significance (1 of 4 stars; one submission).

Submission:

GeneDx
Classification: Uncertain significance. Last evaluated: 2023-02-24. Review status: criteria provided, single submitter. Criteria: GeneDx Variant Classification Process June 2021. Collection method: clinical testing. Allele origin: germline. Affected: yes.
Comment: Not observed at significant frequency in large population cohorts (gnomAD); Missense variants in this gene are often considered pathogenic (HGMD); In silico analysis supports that this missense variant does not alter protein structure/function; Has not been previously published as pathogenic or benign to our knowledge; This substitution is predicted to be in the cytoplasmic loop between the second and third homologous domains

NM_001040142.2(SCN2A):c.3526G>A (p.Val1176Ile)

Gene: SCN2A (sodium voltage-gated channel alpha subunit 2; plus strand). Cytogenetic location: 2q24.3.
Variant type: single nucleotide variant.
Coding change: c.3526G>A on transcript NM_001040142.2 (MANE Select); coding-DNA position 3526, G replaced by A.
Protein change: p.Val1176Ile; replaces valine 1176 with isoleucine.
Molecular consequence: missense variant.
Genome position (GRCh38, 1-based): chr2:165,367,222, G>A. VCF-style: chr2-165367222-G-A. GRCh37 (hg19) VCF-style: chr2-166223732-G-A.
Other names: c.3526G>A, p.Val1176Ile (NM_001040143.2, NM_001371246.1, NM_001371247.1 and 1 more transcripts); short protein forms V1176I.
Identifiers: ClinVar variation 2577764 (VCV002577764.1), dbSNP rs2468069937, ClinGen allele CA349025744.